The following is an entry in ClinVar:

NM_025114.4(CEP290):c.7018G>A (p.Glu2340Lys)

Gene: CEP290 (centrosomal protein 290; minus strand). Cytogenetic location: 12q21.32.
Variant type: single nucleotide variant.
Coding change: c.7018G>A on transcript NM_025114.4 (MANE Select); coding-DNA position 7018, G replaced by A.
Protein change: p.Glu2340Lys; replaces glutamic acid 2340 with lysine.
Molecular consequence: missense variant.
Genome position (GRCh38, 1-based): chr12:88,054,356, C>T on the plus strand (G>A on the coding strand, the complement: CEP290 is on the minus strand). VCF-style: chr12-88054356-C-T. GRCh37 (hg19) VCF-style: chr12-88448133-C-T.
Other names: short protein forms E2340K.
Identifiers: ClinVar variation 5002213 (VCV005002213.1).
Genomic context (GRCh38, chr12:88,054,356, plus strand): 5'-TTTTAAAGAAAAAAACAAAGTAGTCATATGAATACATGATGTACCTAAGAACTTGAAGCT[C>T]CCGTTTAAGGCCTTGCTCTGTCTCAGCACCTTCAGGAACATGTTTAAGAATCTTAATCTT-3'
Protein context (NP_079390.3, residues 2330-2350): GAETEQGLKR[Glu2340Lys]LQVLRLANHQ

ClinVar aggregate classification (germline): Uncertain significance (1 of 4 stars; one submission).

Conditions:
CEP290-related disorder. Also called: CEP290-related condition; CEP290-related disorders. Identifiers: MedGen CN239314.

Submission:

PreventionGenetics, part of Exact Sciences
Classification: Uncertain significance for CEP290-related condition. Last evaluated: 2024-12-13. Review status: criteria provided, single submitter. Criteria: ACMG Guidelines, 2015. Collection method: clinical testing. Allele origin: germline.
Comment: The CEP290 c.7018G>A variant is predicted to result in the amino acid substitution p.Glu2340Lys. To our knowledge, this variant has not been reported in the literature or in a large population database (gnomAD), indicating this variant is rare. At this time, the clinical significance of this variant is uncertain due to the absence of conclusive functional and genetic evidence.